The following is an entry in ClinVar:

ClinVar aggregate classification (germline): Conflicting classifications of pathogenicity. Review status: criteria provided, conflicting classifications (1 of 4 stars). 3 submissions from 2 submitters: Uncertain significance (1); Likely benign (2). Last evaluated 2021-05-26.

Conditions:
Mitochondrial complex I deficiency, nuclear type 1. Also called: NADH-COENZYME Q REDUCTASE DEFICIENCY; MITOCHONDRIAL NADH DEHYDROGENASE COMPONENT OF COMPLEX I, DEFICIENCY OF. Identifiers: MedGen C6022305, MONDO:0100224, OMIM 252010.
Leigh syndrome (NULS). Also called: Leigh Disease; Subacute necrotizing encephalopathy; Leigh Syndrome (mtDNA deletion); Leigh's syndrome; Leigh's necrotizing encephalopathy; Leigh's disease. Identifiers: Orphanet 506, MedGen C2931891, MONDO:0009723, OMIM 256000.

Allele frequency attached by ClinVar (database versions not stated): TOPMed 0.00444; 1000 Genomes Project 30x 0.00531; 1000 Genomes Project 0.00539.
gnomAD v4.1: 910 of 493,344 alleles (0.18%); highest among the groups gnomAD compares: African/African-American, 1.6%; 7 homozygotes.

Submissions (3):

GeneDx
Classification: Likely benign. Last evaluated: 2021-05-26. Review status: criteria provided, single submitter. Criteria: GeneDx Variant Classification Process June 2021. Collection method: clinical testing. Allele origin: germline. Affected: yes.

Illumina Laboratory Services, Illumina
Classification: Likely benign for Leigh syndrome. Last evaluated: 2018-01-13. Review status: criteria provided, single submitter. Criteria: ICSL Variant Classification Criteria 13 December 2019. Collection method: clinical testing. Allele origin: germline.
Comment: This variant was observed in the ICSL laboratory as part of a predisposition screen in an ostensibly healthy population. It had not been previously curated by ICSL or reported in the Human Gene Mutation Database (HGMD: prior to June 1st, 2018), and was therefore a candidate for classification through an automated scoring system. Utilizing variant allele frequency, disease prevalence and penetrance estimates, and inheritance mode, an automated score was calculated to assess if this variant is too frequent to cause the disease. Based on the score and internal cut-off values, a variant classified as likely benign is not then subjected to further curation. The score for this variant resulted in a classification of likely benign for this disease.

Illumina Laboratory Services, Illumina
Classification: Uncertain significance for Mitochondrial complex I deficiency, nuclear type 1. Last evaluated: 2018-01-13. Review status: criteria provided, single submitter. Criteria: ICSL Variant Classification Criteria 13 December 2019. Collection method: clinical testing. Allele origin: germline.

NM_005006.7(NDUFS1):c.-76G>A

Genes: NDUFS1 (NADH:ubiquinone oxidoreductase core subunit S1; minus strand), LOC129935473 (ATAC-STARR-seq lymphoblastoid active region 17025; plus strand). Cytogenetic location: 2q33.3.
Variant type: single nucleotide variant.
Coding change: c.-76G>A on transcript NM_005006.7 (MANE Select); 76 bases upstream of the start codon, G replaced by A.
Molecular consequence: 5 prime UTR variant.
Genome position (GRCh38, 1-based): chr2:206,159,412, C>T on the plus strand (G>A on the coding strand, the complement: NDUFS1 is on the minus strand). VCF-style: chr2-206159412-C-T. GRCh37 (hg19) VCF-style: chr2-207024136-C-T.
Other names: c.-76G>A (NM_001199981.2); c.-132G>A (NM_001199982.2); c.-155G>A (NM_001199983.2).
Identifiers: ClinVar variation 898014 (VCV000898014.5), dbSNP rs116137442, ClinGen allele CA63679027.